The following is an entry in ClinVar:

NM_024675.4(PALB2):c.120del (p.Ala41fs)

Gene: PALB2 (partner and localizer of BRCA2; minus strand). Cytogenetic location: 16p12.2.
Variant type: Deletion.
Coding change: c.120del on transcript NM_024675.4 (MANE Select); coding-DNA position 120, one base deleted (A; older notation c.120delA).
Protein change: p.Ala41fs; shifts the reading frame from alanine 41.
Molecular consequence: frameshift variant. On other transcripts: 5 prime UTR variant (8), intron variant (3).
Genome position (GRCh38, 1-based): chr16:23,637,941, T deleted on the plus strand (A on the coding strand, the reverse complement: PALB2 is on the minus strand). VCF-style (leftmost placement, unchanged base first): chr16-23637940-CT-C. GRCh37 (hg19) VCF-style: chr16-23649261-CT-C.
Other names: c.60del, p.Ala21fs (NM_001407296.1); c.120del, p.Ala41fs (NM_001407297.1, NM_001407298.1, NM_001407299.1 and 3 more transcripts); c.-766del (NM_001407304.1, NM_001407305.1, NM_001407306.1 and 5 more transcripts); c.48+3169del (NM_001407314.1); c.-105+3169del (NM_001407313.1, NM_001407312.1); short protein forms A21fs, A41fs.
Identifiers: ClinVar variation 2674090 (VCV002674090.1), dbSNP rs2506536286, ClinGen allele CA2695197562.

ClinVar aggregate classification (germline): Pathogenic (1 of 4 stars; one submission).

Conditions:
Familial cancer of breast. Also called: Hereditary breast cancer; BREAST CANCER, FAMILIAL; hereditary breast carcinoma. Identifiers: Orphanet 227535, MedGen C0346153, MONDO:0016419, OMIM 114480. Disease mechanism: loss of function.

Submission:

Myriad Genetics, Inc.
Classification: Pathogenic for Familial cancer of breast. Last evaluated: 2023-09-06. Review status: criteria provided, single submitter. Criteria: Myriad Autosomal Dominant, Autosomal Recessive and X-Linked Classification Criteria (2023). Collection method: clinical testing. Allele origin: unknown.
Comment: This variant is considered pathogenic. This variant creates a frameshift predicted to result in premature protein truncation.